The following is an entry in ClinVar:

ClinVar aggregate classification (germline): Uncertain significance (1 of 4 stars; one submission).

Conditions:
Hereditary cancer-predisposing syndrome. Also called: Tumor predisposition; Neoplastic Syndromes, Hereditary; Hereditary Cancer Syndrome; Hereditary neoplastic syndrome. Identifiers: Orphanet 140162, MedGen C0027672, MeSH D009386, MONDO:0015356.

gnomAD v4.1: 2 of 1,614,020 alleles (0.00012%); highest among the groups gnomAD compares: Non-Finnish European, 0.00017%; no homozygotes.

Submission:

Ambry Genetics
Classification: Uncertain significance for Hereditary cancer-predisposing syndrome. Last evaluated: 2024-07-29. Review status: criteria provided, single submitter. Criteria: Ambry Variant Classification Scheme 2023. Collection method: clinical testing. Allele origin: germline.
Comment: The p.E517Q variant (also known as c.1549G>C), located in coding exon 14 of the FANCC gene, results from a G to C substitution at nucleotide position 1549. The glutamic acid at codon 517 is replaced by glutamine, an amino acid with highly similar properties. This amino acid position is conserved. In addition, this alteration is predicted to be tolerated by in silico analysis. Based on the available evidence, the clinical significance of this variant remains unclear.

NM_000136.3(FANCC):c.1549G>C (p.Glu517Gln)

Genes: AOPEP (aminopeptidase O (putative); plus strand), FANCC (FA complementation group C; minus strand). Cytogenetic location: 9q22.32.
Variant type: single nucleotide variant.
Coding change: c.1549G>C on transcript NM_000136.3 (MANE Select); coding-DNA position 1549, G replaced by C.
Protein change: p.Glu517Gln; replaces glutamic acid 517 with glutamine.
Molecular consequence: missense variant.
Genome position (GRCh38, 1-based): chr9:95,101,835, C>G on the plus strand (G>C on the coding strand, the complement: FANCC is on the minus strand). VCF-style: chr9-95101835-C-G. GRCh37 (hg19) VCF-style: chr9-97864117-C-G.
Other names: c.1549G>C, p.Glu517Gln (NM_001243743.2); short protein forms E517Q.
Identifiers: ClinVar variation 3512752 (VCV003512752.1).